The following is an entry in ClinVar:

NM_001128.6(AP1G1):c.897T>G (p.Ile299Met)

Gene: AP1G1 (adaptor related protein complex 1 subunit gamma 1; minus strand). Cytogenetic location: 16q22.2.
Variant type: single nucleotide variant.
Coding change: c.897T>G on transcript NM_001128.6 (MANE Select); coding-DNA position 897, T replaced by G.
Protein change: p.Ile299Met; replaces isoleucine 299 with methionine.
Molecular consequence: missense variant.
Genome position (GRCh38, 1-based): chr16:71,764,371, A>C on the plus strand (T>G on the coding strand, the complement: AP1G1 is on the minus strand). VCF-style: chr16-71764371-A-C. GRCh37 (hg19) VCF-style: chr16-71798274-A-C.
Other names: c.906T>G, p.Ile302Met (NM_001030007.2); short protein forms I299M, I302M.
Identifiers: ClinVar variation 3253372 (VCV003253372.1), dbSNP rs2543561713.

ClinVar aggregate classification (germline): Uncertain significance (1 of 4 stars; one submission).

Submission:

GeneDx
Classification: Uncertain significance. Last evaluated: 2023-12-11. Review status: criteria provided, single submitter. Criteria: GeneDx Variant Classification Process June 2021. Collection method: clinical testing. Allele origin: germline. Affected: yes.
Comment: Not observed at significant frequency in large population cohorts (gnomAD); In silico analysis supports that this missense variant has a deleterious effect on protein structure/function; Has not been previously published as pathogenic or benign to our knowledge; Variants in candidate genes are classified as variants of uncertain significance in accordance with ACMG guidelines (PMID: 25741868)